The following is an entry in ClinVar:

ClinVar aggregate classification (germline): Likely benign. Review status: criteria provided, single submitter (1 of 4 stars). 2 submissions from 2 submitters: Likely benign (1). 1 of the submissions does not count toward it. Last evaluated 2025-03-17.

Conditions:
DISP1-related disorder. Also called: DISP1-related condition.

Allele frequency attached by ClinVar (database versions not stated): gnomAD 0.00006 and 0.00011; gnomAD exomes 0.00006 and 0.00010; ExAC 0.00008; TOPMed 0.00008.
gnomAD v4.1: 162 of 1,614,226 alleles (0.01%); highest among the groups gnomAD compares: South Asian, 0.047%; 1 homozygote.

Submissions (2):

Labcorp Genetics (formerly Invitae), Labcorp
Classification: Likely benign. Last evaluated: 2025-03-17. Review status: criteria provided, single submitter. Criteria: Invitae Variant Classification Sherloc (09022015). Collection method: clinical testing. Allele origin: germline.

PreventionGenetics, part of Exact Sciences
Classification: Likely benign for DISP1-related condition. Last evaluated: 2020-06-01. Review status: no assertion criteria provided. Collection method: clinical testing. Allele origin: germline. Not counted in ClinVar's aggregate classification.
Comment: This variant is classified as likely benign based on ACMG/AMP sequence variant interpretation guidelines (Richards et al. 2015 PMID: 25741868, with internal and published modifications).

NM_001377229.1(DISP1):c.1809C>T (p.His603=)

Gene: DISP1 (dispatched RND transporter family member 1; plus strand). Cytogenetic location: 1q41.
Variant type: single nucleotide variant.
Coding change: c.1809C>T on transcript NM_001377229.1 (MANE Select); coding-DNA position 1809, C replaced by T.
Protein change: p.His603=; no amino-acid change (histidine 603 retained).
Molecular consequence: synonymous variant.
Genome position (GRCh38, 1-based): chr1:223,003,206, C>T. VCF-style: chr1-223003206-C-T. GRCh37 (hg19) VCF-style: chr1-223176548-C-T.
Other names: c.1080C>T, p.His360= (NM_001350630.2); c.1809C>T, p.His603= (NM_001369594.1, NM_001377228.1, NM_032890.5).
Identifiers: ClinVar variation 740301 (VCV000740301.11), dbSNP rs751940938, ClinGen allele CA1409127.